The following is an entry in ClinVar:

ClinVar aggregate classification (germline): Uncertain significance (1 of 4 stars; one submission).

Submission:

GeneDx
Classification: Uncertain significance. Last evaluated: 2026-04-24. Review status: criteria provided, single submitter. Criteria: GeneDx Variant Classification Process June 2021. Collection method: clinical testing. Allele origin: germline.
Comment: Observed as heterozygous in an individual in population cohorts (PMID: 34200080); Frameshift variant predicted to result in abnormal protein length as the last 452 amino acids are replaced with 2 different amino acids, and other similar variants have been reported in HGMD; This variant is associated with the following publications: (PMID: 34200080)

NM_000369.5(TSHR):c.939del (p.Lys313fs)

Genes: TSHR (thyroid stimulating hormone receptor; plus strand), TSHR-AS1 (TSHR antisense RNA 1; minus strand). Cytogenetic location: 14q31.1.
Variant type: Deletion.
Coding change: c.939del on transcript NM_000369.5 (MANE Select); coding-DNA position 939, one base deleted (A; older notation c.939delA).
Protein change: p.Lys313fs; shifts the reading frame from lysine 313.
Molecular consequence: frameshift variant.
Genome position (GRCh38, 1-based): chr14:81,142,997, A deleted; the last of 4 consecutive A bases (chr14:81,142,994-81,142,997); deleting any one gives the same sequence. VCF-style (leftmost placement, unchanged base first): chr14-81142993-GA-G. GRCh37 (hg19) VCF-style: chr14-81609337-GA-G.
Other names: c.939delA, p.Lys313Asnfs (NM_000369.2); short protein forms K313fs.
Identifiers: ClinVar variation 5037749 (VCV005037749.1).